The following is an entry in ClinVar:

NM_000481.4(AMT):c.656G>A (p.Arg219His)

Gene: AMT (aminomethyltransferase; minus strand). Cytogenetic location: 3p21.31.
Variant type: single nucleotide variant.
Coding change: c.656G>A on transcript NM_000481.4 (MANE Select); coding-DNA position 656, G replaced by A.
Protein change: p.Arg219His; replaces arginine 219 with histidine.
Molecular consequence: missense variant. On other transcripts: non-coding transcript variant (1).
Genome position (GRCh38, 1-based): chr3:49,419,300, C>T on the plus strand (G>A on the coding strand, the complement: AMT is on the minus strand). VCF-style: chr3-49419300-C-T. GRCh37 (hg19) VCF-style: chr3-49456733-C-T.
Other names: c.524G>A, p.Arg175His (NM_001164710.2); c.488G>A, p.Arg163His (NM_001164711.2); c.656G>A, p.Arg219His (NM_001164712.2); short protein forms R163H, R175H, R219H.
Identifiers: ClinVar variation 1413693 (VCV001413693.3), dbSNP rs202043041, ClinGen allele CA2398287.

ClinVar aggregate classification (germline): Uncertain significance (1 of 4 stars; one submission).

Conditions:
Glycine encephalopathy. Also called: Nonketotic hyperglycinemia; Non-ketotic hyperglycinemia. Identifiers: Orphanet 407, MedGen C0751748, MONDO:0011612, HP:0008288.

Allele frequency attached by ClinVar (database versions not stated): ExAC 0.00001; gnomAD 0.00001; gnomAD exomes 0.00001; TOPMed 0.00001; 1000 Genomes Project 0.00020; 1000 Genomes Project 30x 0.00031.

Submission:

Labcorp Genetics (formerly Invitae), Labcorp
Classification: Uncertain significance for Glycine encephalopathy. Last evaluated: 2022-08-08. Review status: criteria provided, single submitter. Criteria: Invitae Variant Classification Sherloc (09022015). Collection method: clinical testing. Allele origin: germline.
Comment: This sequence change replaces arginine, which is basic and polar, with histidine, which is basic and polar, at codon 219 of the AMT protein (p.Arg219His). This variant is present in population databases (rs202043041, gnomAD 0.007%). This variant has not been reported in the literature in individuals affected with AMT-related conditions. ClinVar contains an entry for this variant (Variation ID: 1413693). Advanced modeling of protein sequence and biophysical properties (such as structural, functional, and spatial information, amino acid conservation, physicochemical variation, residue mobility, and thermodynamic stability) performed at Invitae indicates that this missense variant is not expected to disrupt AMT protein function. In summary, the available evidence is currently insufficient to determine the role of this variant in disease. Therefore, it has been classified as a Variant of Uncertain Significance.